The following is an entry in ClinVar:

ClinVar aggregate classification (germline): Benign/Likely benign. Review status: criteria provided, multiple submitters, no conflicts (2 of 4 stars). 3 submissions from 3 submitters: Benign (1); Likely benign (1). 1 of the submissions does not count toward it. Last evaluated 2024-10-08.

Conditions:
SASH1-related disorder. Also called: SASH1-related condition.

Allele frequency attached by ClinVar (database versions not stated): gnomAD exomes 0.00005 and 0.00024; ExAC 0.00030; ESP Exome Variant Server 0.00062; gnomAD 0.00073 and 0.00078; TOPMed 0.00077; 1000 Genomes Project 0.00280; 1000 Genomes Project 30x 0.00328.
gnomAD v4.1: 202 of 1,613,970 alleles (0.013%); highest among the groups gnomAD compares: African/African-American, 0.22%; no homozygotes.

Submissions (3):

Blueprint Genetics
Classification: Likely benign. Last evaluated: 2024-10-08. Review status: criteria provided, single submitter. Criteria: ACMG Guidelines, 2015. Collection method: clinical testing. Allele origin: germline.

Labcorp Genetics (formerly Invitae), Labcorp
Classification: Benign. Last evaluated: 2018-03-02. Review status: criteria provided, single submitter. Criteria: Invitae Variant Classification Sherloc (09022015). Collection method: clinical testing. Allele origin: germline.

PreventionGenetics, part of Exact Sciences
Classification: Likely benign for SASH1-related condition. Last evaluated: 2019-11-14. Review status: no assertion criteria provided. Collection method: clinical testing. Allele origin: germline. Not counted in ClinVar's aggregate classification.
Comment: This variant is classified as likely benign based on ACMG/AMP sequence variant interpretation guidelines (Richards et al. 2015 PMID: 25741868, with internal and published modifications).

NM_015278.5(SASH1):c.1911T>C (p.Ser637=)

Gene: SASH1 (SAM and SH3 domain containing 1; plus strand). Cytogenetic location: 6q25.1.
Variant type: single nucleotide variant.
Coding change: c.1911T>C on transcript NM_015278.5 (MANE Select); coding-DNA position 1911, T replaced by C.
Protein change: p.Ser637=; no amino-acid change (serine 637 retained).
Molecular consequence: synonymous variant.
Genome position (GRCh38, 1-based): chr6:148,533,947, T>C. VCF-style: chr6-148533947-T-C. GRCh37 (hg19) VCF-style: chr6-148855083-T-C.
Other names: c.1776T>C, p.Ser592= (NM_001346505.2); c.1539T>C, p.Ser513= (NM_001346506.2); c.1194T>C, p.Ser398= (NM_001346507.2); c.1683T>C, p.Ser561= (NM_001346508.2); c.1560T>C, p.Ser520= (NM_001346509.2); c.1911T>C (NM_015278.4).
Identifiers: ClinVar variation 791268 (VCV000791268.6), dbSNP rs151028643, ClinGen allele CA4040459.